The following is an entry in ClinVar:

ClinVar aggregate classification (germline): Uncertain significance (1 of 4 stars; one submission).

Conditions:
Inborn genetic diseases. Identifiers: MedGen C0950123, MeSH D030342.

Submission:

Ambry Genetics
Classification: Uncertain significance for Inborn genetic diseases. Last evaluated: 2025-05-05. Review status: criteria provided, single submitter. Criteria: Ambry Variant Classification Scheme 2023. Collection method: clinical testing. Allele origin: germline.
Comment: The p.S1641L variant (also known as c.4922C>T), located in coding exon 32 of the ANKRD26 gene, results from a C to T substitution at nucleotide position 4922. The serine at codon 1641 is replaced by leucine, an amino acid with dissimilar properties. This amino acid position is conserved. In addition, this alteration is predicted to be tolerated by in silico analysis. Based on the available evidence, the clinical significance of this variant remains unclear.

NM_014915.3(ANKRD26):c.4922C>T (p.Ser1641Leu)

Gene: ANKRD26 (ankyrin repeat domain containing 26; minus strand). Cytogenetic location: 10p12.1.
Variant type: single nucleotide variant.
Coding change: c.4922C>T on transcript NM_014915.3 (MANE Select); coding-DNA position 4922, C replaced by T.
Protein change: p.Ser1641Leu; replaces serine 1641 with leucine.
Molecular consequence: missense variant.
Genome position (GRCh38, 1-based): chr10:27,012,913, G>A on the plus strand (C>T on the coding strand, the complement: ANKRD26 is on the minus strand). VCF-style: chr10-27012913-G-A. GRCh37 (hg19) VCF-style: chr10-27301842-G-A.
Other names: c.4919C>T, p.Ser1640Leu (NM_001256053.2); short protein forms S1640L, S1641L.
Identifiers: ClinVar variation 3914262 (VCV003914262.1).
Genomic context (GRCh38, chr10:27,012,913, plus strand): 5'-CCCAAAGGAAAAAAGACAACATAACTAACCTTGCTCAAGTAGTTCTCCATGCTATTATTT[G>A]AAGCCCGTGGATTTGAGGTAGAGATCACTAAGTTTTCTCTTGGAATAAGTTTTCTGTTGA-3'
Protein context (NP_055730.2, residues 1631-1651): LVISTSNPRA[Ser1641Leu]NNSMENYLSK